The following is an entry in ClinVar:

ClinVar aggregate classification (germline): Uncertain significance. Review status: criteria provided, multiple submitters, no conflicts (2 of 4 stars). 2 submissions from 2 submitters: Uncertain significance (2). Last evaluated 2024-04-28.

Conditions:
Myofibrillar myopathy 5. Also called: FILAMINOPATHY, AUTOSOMAL DOMINANT; Filaminopathy (type). Identifiers: Orphanet 171445, MedGen C1836050, MONDO:0012289, OMIM 609524.
Hypertrophic cardiomyopathy 26. Also called: Cardiomyopathy, familial hypertrophic, 26. Identifiers: Orphanet 75249, MedGen C4310749, MONDO:0014883, OMIM 617047.
Distal myopathy with posterior leg and anterior hand involvement. Also called: WILLIAMS DISTAL MYOPATHY. Identifiers: Orphanet 63273, MedGen C3279722, MONDO:0013550, OMIM 614065.
Cardiovascular phenotype. Identifiers: MedGen CN230736.

gnomAD v4.1: 1 of 1,607,336 alleles (0.000062%); highest among the groups gnomAD compares: Non-Finnish European, 0.000085%; no homozygotes.

Submissions (2):

Ambry Genetics
Classification: Uncertain significance for Cardiovascular phenotype. Last evaluated: 2024-04-28. Review status: criteria provided, single submitter. Criteria: Ambry Variant Classification Scheme 2023. Collection method: clinical testing. Allele origin: germline.
Comment: The p.R2239G variant (also known as c.6715C>G), located in coding exon 40 of the FLNC gene, results from a C to G substitution at nucleotide position 6715. The arginine at codon 2239 is replaced by glycine, an amino acid with dissimilar properties. This amino acid position is conserved. In addition, the in silico prediction for this alteration is inconclusive. Based on the available evidence, the clinical significance of this variant remains unclear.

Labcorp Genetics (formerly Invitae), Labcorp
Classification: Uncertain significance for Distal myopathy with posterior leg and anterior hand involvement; Myofibrillar myopathy 5; Hypertrophic cardiomyopathy 26. Last evaluated: 2023-11-10. Review status: criteria provided, single submitter. Criteria: Invitae Variant Classification Sherloc (09022015). Collection method: clinical testing. Allele origin: germline.
Comment: This sequence change replaces arginine, which is basic and polar, with glycine, which is neutral and non-polar, at codon 2239 of the FLNC protein (p.Arg2239Gly). This variant is not present in population databases (gnomAD no frequency). This variant has not been reported in the literature in individuals affected with FLNC-related conditions. An algorithm developed to predict the effect of missense changes on protein structure and function (PolyPhen-2) suggests that this variant is likely to be tolerated. In summary, the available evidence is currently insufficient to determine the role of this variant in disease. Therefore, it has been classified as a Variant of Uncertain Significance.

NM_001458.5(FLNC):c.6715C>G (p.Arg2239Gly)

Genes: FLNC-AS1 (FLNC antisense RNA 1; minus strand), FLNC (filamin C; plus strand). Cytogenetic location: 7q32.1.
Variant type: single nucleotide variant.
Coding change: c.6715C>G on transcript NM_001458.5 (MANE Select); coding-DNA position 6715, C replaced by G.
Protein change: p.Arg2239Gly; replaces arginine 2239 with glycine.
Molecular consequence: missense variant.
Genome position (GRCh38, 1-based): chr7:128,854,204, C>G. VCF-style: chr7-128854204-C-G. GRCh37 (hg19) VCF-style: chr7-128494258-C-G.
Other names: c.6616C>G, p.Arg2206Gly (NM_001127487.2); short protein forms R2206G, R2239G.
Identifiers: ClinVar variation 2922004 (VCV002922004.4), dbSNP rs367820987, ClinGen allele CA369213279.